The following is an entry in ClinVar:

ClinVar aggregate classification (germline): Uncertain significance. Review status: criteria provided, multiple submitters, no conflicts (2 of 4 stars). 4 submissions from 4 submitters: Uncertain significance (4). Last evaluated 2025-06-06.

Conditions:
VPS13B-related disorder. Also called: VPS13B-related condition.
Cohen syndrome (COH1). Also called: Cutis verticis gyrata, retinitis pigmentosa, and sensorineural deafness; PEPPER SYNDROME. Identifiers: Orphanet 193, MedGen C0265223, MONDO:0008999, OMIM 216550.

Allele frequency attached by ClinVar (database versions not stated): TOPMed below 0.00001; gnomAD 0.00001; gnomAD exomes 0.00001.
gnomAD v4.1: 10 of 1,613,376 alleles (0.00062%); highest among the groups gnomAD compares: Non-Finnish European, 0.00076%; no homozygotes.

Submissions (4):

PreventionGenetics, part of Exact Sciences
Classification: Uncertain significance for VPS13B-related condition. Last evaluated: 2025-06-06. Review status: criteria provided, single submitter. Criteria: ACMG Guidelines, 2015. Collection method: clinical testing. Allele origin: germline.
Comment: The VPS13B c.3667G>A variant is predicted to result in the amino acid substitution p.Val1223Ile. To our knowledge, this variant has not been reported in the literature or in a large population database (gnomAD), indicating this variant is rare. At this time, the clinical significance of this variant is uncertain due to the absence of conclusive functional and genetic evidence.

Blueprint Genetics
Classification: Uncertain significance. Last evaluated: 2024-11-13. Review status: criteria provided, single submitter. Criteria: ACMG Guidelines, 2015. Collection method: clinical testing. Allele origin: germline.

Labcorp Genetics (formerly Invitae), Labcorp
Classification: Uncertain significance for Cohen syndrome. Last evaluated: 2022-08-22. Review status: criteria provided, single submitter. Criteria: Invitae Variant Classification Sherloc (09022015). Collection method: clinical testing. Allele origin: germline.
Comment: This sequence change replaces valine, which is neutral and non-polar, with isoleucine, which is neutral and non-polar, at codon 1223 of the VPS13B protein (p.Val1223Ile). This variant is not present in population databases (gnomAD no frequency). This variant has not been reported in the literature in individuals affected with VPS13B-related conditions. ClinVar contains an entry for this variant (Variation ID: 1029657). Algorithms developed to predict the effect of missense changes on protein structure and function are either unavailable or do not agree on the potential impact of this missense change (SIFT: "Not Available"; PolyPhen-2: "Possibly Damaging"; Align-GVGD: "Not Available"). In summary, the available evidence is currently insufficient to determine the role of this variant in disease. Therefore, it has been classified as a Variant of Uncertain Significance.

Baylor Genetics
Classification: Uncertain significance for Cohen syndrome. Last evaluated: 2019-07-29. Review status: criteria provided, single submitter. Criteria: ACMG Guidelines, 2015. Collection method: clinical testing. Allele origin: unknown. Affected: yes.
Comment: This variant was determined to be of uncertain significance according to ACMG Guidelines, 2015 [PMID:25741868].

NM_152564.5(VPS13B):c.3667G>A (p.Val1223Ile)

Gene: VPS13B (vacuolar protein sorting 13 homolog B; plus strand). Cytogenetic location: 8q22.2.
Variant type: single nucleotide variant.
Coding change: c.3667G>A on transcript NM_152564.5 (MANE Select); coding-DNA position 3667, G replaced by A.
Protein change: p.Val1223Ile; replaces valine 1223 with isoleucine.
Molecular consequence: missense variant.
Genome position (GRCh38, 1-based): chr8:99,481,599, G>A. VCF-style: chr8-99481599-G-A. GRCh37 (hg19) VCF-style: chr8-100493827-G-A.
Other names: c.3667G>A (NM_152564.4); c.3667G>A, p.Val1223Ile (NM_017890.5); short protein forms V1223I.
Identifiers: ClinVar variation 1029657 (VCV001029657.5), dbSNP rs1820042425, ClinGen allele CA371866631.